The following is an entry in ClinVar:

ClinVar aggregate classification (germline): Uncertain significance (1 of 4 stars; one submission).

Conditions:
Primary ciliary dyskinesia. Also called: Ciliary dyskinesia. Identifiers: Orphanet 244, MedGen C0008780, MONDO:0016575, HP:0012265.

gnomAD v4.1: 10 of 1,613,928 alleles (0.00062%); highest among the groups gnomAD compares: Non-Finnish European, 0.00068%; no homozygotes.

Submission:

Ambry Genetics
Classification: Uncertain significance for Primary ciliary dyskinesia. Last evaluated: 2026-07-04. Review status: criteria provided, single submitter. Criteria: Ambry Variant Classification Scheme 2023. Collection method: clinical testing. Allele origin: germline.
Comment: The p.E3873Q variant (also known as c.11617G>C), located in coding exon 68 of the DNAH5 gene, results from a G to C substitution at nucleotide position 11617. The glutamic acid at codon 3873 is replaced by glutamine, an amino acid with highly similar properties. This amino acid position is conserved. In addition, the in silico prediction for this alteration is inconclusive. Based on the available evidence, the clinical significance of this variant remains unclear.

NM_001369.3(DNAH5):c.11617G>C (p.Glu3873Gln)

Gene: DNAH5 (dynein axonemal heavy chain 5; minus strand). Cytogenetic location: 5p15.2.
Variant type: single nucleotide variant.
Coding change: c.11617G>C on transcript NM_001369.3 (MANE Select); coding-DNA position 11617, G replaced by C.
Protein change: p.Glu3873Gln; replaces glutamic acid 3873 with glutamine.
Molecular consequence: missense variant.
Genome position (GRCh38, 1-based): chr5:13,735,275, C>G on the plus strand (G>C on the coding strand, the complement: DNAH5 is on the minus strand). VCF-style: chr5-13735275-C-G. GRCh37 (hg19) VCF-style: chr5-13735384-C-G.
Other names: short protein forms E3873Q.
Identifiers: ClinVar variation 5035461 (VCV005035461.1).